The following is an entry in ClinVar:

NM_001252024.2(TRPM1):c.4645G>C (p.Asp1549His)

Gene: TRPM1 (transient receptor potential cation channel subfamily M member 1; minus strand). Cytogenetic location: 15q13.3.
Variant type: single nucleotide variant.
Coding change: c.4645G>C on transcript NM_001252024.2 (MANE Select); coding-DNA position 4645, G replaced by C.
Protein change: p.Asp1549His; replaces aspartic acid 1549 with histidine.
Molecular consequence: missense variant.
Genome position (GRCh38, 1-based): chr15:31,002,055, C>G on the plus strand (G>C on the coding strand, the complement: TRPM1 is on the minus strand). VCF-style: chr15-31002055-C-G. GRCh37 (hg19) VCF-style: chr15-31294258-C-G.
Other names: c.4696G>C, p.Asp1566His (NM_001252020.2); c.4579G>C, p.Asp1527His (NM_002420.6); c.4696G>C (NM_001252020.1); short protein forms D1527H, D1549H, D1566H.
Identifiers: ClinVar variation 315489 (VCV000315489.13), dbSNP rs117105175, ClinGen allele CA7451600.

ClinVar aggregate classification (germline): Uncertain significance. Review status: criteria provided, multiple submitters, no conflicts (2 of 4 stars). 8 submissions from 7 submitters: Uncertain significance (4). 4 of the submissions do not count toward it. Last evaluated 2026-08-11.

Conditions:
Congenital stationary night blindness 1C. Also called: Night blindness, congenital stationary (complete), 1C, autosomal recessive. Identifiers: Orphanet 215, MedGen C2750747, MONDO:0013183, OMIM 613216.
Optic atrophy. Identifiers: MedGen C0029124, MONDO:0003608, HP:0000648.
Retinal dystrophy. Also called: Inherited retinal dystrophy. Identifiers: HP:0000556, Orphanet 71862, MedGen C0854723, MeSH D058499, MONDO:0019118.
TRPM1-related disorder. Also called: TRPM1-related condition.

Allele frequency attached by ClinVar (database versions not stated): ESP Exome Variant Server 0.00008; gnomAD exomes 0.00014 and 0.00027; 1000 Genomes Project 30x 0.00016; 1000 Genomes Project 0.00020; TOPMed 0.00022; gnomAD 0.00032 and 0.00033; ExAC 0.00007.
gnomAD v4.1: 437 of 1,614,206 alleles (0.027%); highest among the groups gnomAD compares: Admixed American, 0.05%; no homozygotes.

Submissions (8):

PreventionGenetics, part of Exact Sciences
Classification: Uncertain significance for TRPM1-related condition. Last evaluated: 2026-08-11. Review status: criteria provided, single submitter. Criteria: ACMG Guidelines, 2015. Collection method: clinical testing. Allele origin: germline.
Comment: The TRPM1 c.4696G>C variant is predicted to result in the amino acid substitution p.Asp1566His. To our knowledge, this variant has not been reported in the literature. This variant is reported in 0.026% of alleles in individuals of European (Non-Finnish) descent in gnomAD. At this time, the clinical significance of this variant is uncertain due to the absence of conclusive functional and genetic evidence.

Blueprint Genetics
Classification: Uncertain significance. Last evaluated: 2024-10-04. Review status: criteria provided, single submitter. Criteria: ACMG Guidelines, 2015. Collection method: clinical testing. Allele origin: germline.

Labcorp Genetics (formerly Invitae), Labcorp
Classification: Uncertain significance. Last evaluated: 2022-10-24. Review status: criteria provided, single submitter. Criteria: Invitae Variant Classification Sherloc (09022015). Collection method: clinical testing. Allele origin: germline.
Comment: This sequence change replaces aspartic acid, which is acidic and polar, with histidine, which is basic and polar, at codon 1527 of the TRPM1 protein (p.Asp1527His). This variant is present in population databases (rs117105175, gnomAD 0.02%). This variant has not been reported in the literature in individuals affected with TRPM1-related conditions. ClinVar contains an entry for this variant (Variation ID: 315489). Algorithms developed to predict the effect of missense changes on protein structure and function (SIFT, PolyPhen-2, Align-GVGD) all suggest that this variant is likely to be tolerated. In summary, the available evidence is currently insufficient to determine the role of this variant in disease. Therefore, it has been classified as a Variant of Uncertain Significance.

Illumina Laboratory Services, Illumina
Classification: Uncertain significance for Congenital stationary night blindness 1C. Last evaluated: 2018-01-13. Review status: criteria provided, single submitter. Criteria: ICSL Variant Classification Criteria 13 December 2019. Collection method: clinical testing. Allele origin: germline.

Institute of Human Genetics, Univ. Regensburg, Univ. Regensburg
Classification: Uncertain significance for Optic atrophy. Last evaluated: 2023-01-01. Review status: no assertion criteria provided. Criteria: ACMG Guidelines, 2015. Collection method: clinical testing. Allele origin: germline. Affected: yes. Not counted in ClinVar's aggregate classification.

Institute of Human Genetics, Univ. Regensburg, Univ. Regensburg
Classification: Uncertain significance for Retinal dystrophy. Last evaluated: 2023-01-01. Review status: no assertion criteria provided. Criteria: ACMG Guidelines, 2015. Collection method: clinical testing. Allele origin: germline. Affected: yes. Not counted in ClinVar's aggregate classification.

Clinical Genetics DNA and cytogenetics Diagnostics Lab, Erasmus MC, Erasmus Medical Center
Classification: Uncertain significance. Review status: no assertion criteria provided. Collection method: clinical testing. Allele origin: germline. Affected: yes. Study: VKGL Data-share Consensus. Not counted in ClinVar's aggregate classification.

Clinical Genetics, Academic Medical Center
Classification: Uncertain significance. Review status: no assertion criteria provided. Collection method: clinical testing. Allele origin: germline. Affected: yes. Study: VKGL Data-share Consensus. Not counted in ClinVar's aggregate classification.